The following is an entry in ClinVar:

NM_018979.4(WNK1):c.1606G>C (p.Val536Leu)

Gene: WNK1 (WNK lysine deficient protein kinase 1; plus strand). Cytogenetic location: 12p13.33.
Variant type: single nucleotide variant.
Coding change: c.1606G>C on transcript NM_018979.4 (MANE Select); coding-DNA position 1606, G replaced by C.
Protein change: p.Val536Leu; replaces valine 536 with leucine.
Molecular consequence: missense variant.
Genome position (GRCh38, 1-based): chr12:859,450, G>C. VCF-style: chr12-859450-G-C. GRCh37 (hg19) VCF-style: chr12-968616-G-C.
Other names: p.Val536Leu; c.1606G>C, p.Val536Leu (NM_001184985.2, NM_014823.3, NM_213655.5); c.1606G>C (NM_018979.3); short protein forms V536L.
Identifiers: ClinVar variation 1039723 (VCV001039723.13), dbSNP rs145646194, ClinGen allele CA6381988.

ClinVar aggregate classification (germline): Uncertain significance. Review status: criteria provided, multiple submitters, no conflicts (2 of 4 stars). 5 submissions from 5 submitters: Uncertain significance (5). Last evaluated 2026-04-23.

Conditions:
WNK1-related disorder. Also called: WNK1-related condition.
Neuropathy, hereditary sensory and autonomic, type 2A (HSAN2A). Also called: MORVAN DISEASE; HSAN IIA; ACROOSTEOLYSIS, GIACCAI TYPE; ACROOSTEOLYSIS, NEUROGENIC; WNK1-Related HSAN2 (HSAN2A); NEUROPATHY, CONGENITAL SENSORY. Identifiers: Orphanet 970, MedGen C2752089, MONDO:0024309, OMIM 201300.
Pseudohypoaldosteronism type 2C (PHA2C). Also called: Pseudohypoaldosteronism Type IIC. Identifiers: Orphanet 757, Orphanet 88940, MedGen C1840391, MONDO:0013778, OMIM 614492.
Inborn genetic diseases. Identifiers: MedGen C0950123, MeSH D030342.

Allele frequency attached by ClinVar (database versions not stated): ExAC 0.00001; gnomAD 0.00001; gnomAD exomes 0.00001 and 0.00002; TOPMed 0.00001; ESP Exome Variant Server 0.00008.
gnomAD v4.1: 15 of 1,610,800 alleles (0.00093%); highest among the groups gnomAD compares: Non-Finnish European, 0.0013%; no homozygotes.

Submissions (5):

PreventionGenetics, part of Exact Sciences
Classification: Uncertain significance for WNK1-related condition. Last evaluated: 2026-04-23. Review status: criteria provided, single submitter. Criteria: ACMG Guidelines, 2015. Collection method: clinical testing. Allele origin: germline.
Comment: The WNK1 c.1606G>C variant is predicted to result in the amino acid substitution p.Val536Leu. To our knowledge, this variant has not been reported in the literature. This variant is reported in 0.0035% of alleles in individuals of European (Non-Finnish) descent in gnomAD. At this time, the clinical significance of this variant is uncertain due to the absence of conclusive functional and genetic evidence.

Labcorp Genetics (formerly Invitae), Labcorp
Classification: Uncertain significance for Neuropathy, hereditary sensory and autonomic, type 2A; Pseudohypoaldosteronism type 2C. Last evaluated: 2025-10-21. Review status: criteria provided, single submitter. Criteria: Invitae Variant Classification Sherloc (09022015). Collection method: clinical testing. Allele origin: germline.
Comment: This sequence change replaces valine, which is neutral and non-polar, with leucine, which is neutral and non-polar, at codon 536 of the WNK1 protein (p.Val536Leu). This variant is present in population databases (rs145646194, gnomAD 0.002%). This variant has not been reported in the literature in individuals affected with WNK1-related conditions. ClinVar contains an entry for this variant (Variation ID: 1039723). Invitae Evidence Modeling of protein sequence and biophysical properties (such as structural, functional, and spatial information, amino acid conservation, physicochemical variation, residue mobility, and thermodynamic stability) indicates that this missense variant is not expected to disrupt WNK1 protein function with a negative predictive value of 95%. In summary, the available evidence is currently insufficient to determine the role of this variant in disease. Therefore, it has been classified as a Variant of Uncertain Significance.

Mayo Clinic Laboratories, Mayo Clinic
Classification: Uncertain significance. Last evaluated: 2022-03-09. Review status: criteria provided, single submitter. Criteria: ACMG Guidelines, 2015. Collection method: clinical testing. Allele origin: germline. Observed: 2 variant alleles.

Fulgent Genetics
Classification: Uncertain significance for Neuropathy, hereditary sensory and autonomic, type 2A; Pseudohypoaldosteronism type 2C. Last evaluated: 2021-07-03. Review status: criteria provided, single submitter. Criteria: ACMG Guidelines, 2015. Collection method: clinical testing. Allele origin: unknown.

Ambry Genetics
Classification: Uncertain significance for Inborn genetic diseases. Last evaluated: 2019-11-26. Review status: criteria provided, single submitter. Criteria: Ambry Variant Classification Scheme 2023. Collection method: clinical testing. Allele origin: germline.
Comment: The p.V536L variant (also known as c.1606G>C), located in coding exon 6 of the WNK1 gene, results from a G to C substitution at nucleotide position 1606. The valine at codon 536 is replaced by leucine, an amino acid with highly similar properties. This amino acid position is highly conserved in available vertebrate species. In addition, this alteration is predicted to be deleterious by in silico analysis. Since supporting evidence is limited at this time, the clinical significance of this alteration remains unclear.